The following is an entry in ClinVar:

ClinVar aggregate classification (germline): Uncertain significance. Review status: criteria provided, multiple submitters, no conflicts (2 of 4 stars). 2 submissions from 2 submitters: Uncertain significance (2). Last evaluated 2023-09-08.

Conditions:
Candidiasis, familial, 9 (CANDF9). Identifiers: Orphanet 1334, MedGen C4225324, MONDO:0014642, OMIM 616445.

Allele frequency attached by ClinVar (database versions not stated): gnomAD exomes below 0.00001; ExAC 0.00001.
gnomAD v4.1: 2 of 1,547,386 alleles (0.00013%); highest among the groups gnomAD compares: South Asian, 0.0012%; no homozygotes.

Submissions (2):

Labcorp Genetics (formerly Invitae), Labcorp
Classification: Uncertain significance for Candidiasis, familial, 9. Last evaluated: 2023-09-08. Review status: criteria provided, single submitter. Criteria: Invitae Variant Classification Sherloc (09022015). Collection method: clinical testing. Allele origin: germline.
Comment: ClinVar contains an entry for this variant (Variation ID: 2475034). In summary, the available evidence is currently insufficient to determine the role of this variant in disease. Therefore, it has been classified as a Variant of Uncertain Significance. An algorithm developed to predict the effect of missense changes on protein structure and function (PolyPhen-2) suggests that this variant is likely to be disruptive. This variant has not been reported in the literature in individuals affected with IL17RC-related conditions. This variant is present in population databases (rs768074002, gnomAD 0.008%). This sequence change replaces glutamine, which is neutral and polar, with histidine, which is basic and polar, at codon 610 of the IL17RC protein (p.Gln610His).

Ambry Genetics
Classification: Uncertain significance. Last evaluated: 2023-01-10. Review status: criteria provided, single submitter. Criteria: Ambry Variant Classification Scheme 2023. Collection method: clinical testing. Allele origin: germline.

NM_153460.4(IL17RC):c.1617G>C (p.Gln539His)

Gene: IL17RC (interleukin 17 receptor C; plus strand). Cytogenetic location: 3p25.3.
Variant type: single nucleotide variant.
Coding change: c.1617G>C on transcript NM_153460.4 (MANE Select); coding-DNA position 1617, G replaced by C.
Protein change: p.Gln539His; replaces glutamine 539 with histidine.
Molecular consequence: missense variant. On other transcripts: non-coding transcript variant (1).
Genome position (GRCh38, 1-based): chr3:9,933,047, G>C. VCF-style: chr3-9933047-G-C. GRCh37 (hg19) VCF-style: chr3-9974731-G-C.
Other names: c.1578G>C, p.Gln526His (NM_001203263.2); c.1527G>C, p.Gln509His (NM_001203264.2); c.1521G>C, p.Gln507His (NM_001203265.2); c.1539G>C, p.Gln513His (NM_001367278.1); c.1458G>C, p.Gln486His (NM_001367279.1); c.1533G>C, p.Gln511His (NM_001367280.1); c.1482G>C, p.Gln494His (NM_001410711.1); c.1572G>C, p.Gln524His (NM_032732.6); and 1 more; short protein forms Q507H, Q610H, Q486H, Q509H, Q513H, Q539H, Q494H, Q511H.
Identifiers: ClinVar variation 2475034 (VCV002475034.5), dbSNP rs768074002, ClinGen allele CA2247369.